The following is an entry in ClinVar:

NM_000057.4(BLM):c.2633G>C (p.Cys878Ser)

Gene: BLM (BLM RecQ like helicase; plus strand). Cytogenetic location: 15q26.1.
Variant type: single nucleotide variant.
Coding change: c.2633G>C on transcript NM_000057.4 (MANE Select); coding-DNA position 2633, G replaced by C.
Protein change: p.Cys878Ser; replaces cysteine 878 with serine.
Molecular consequence: missense variant.
Genome position (GRCh38, 1-based): chr15:90,782,899, G>C. VCF-style: chr15-90782899-G-C. GRCh37 (hg19) VCF-style: chr15-91326129-G-C.
Other names: c.2633G>C, p.Cys878Ser (NM_001287246.2, NM_001287247.2); c.1508G>C, p.Cys503Ser (NM_001287248.2); short protein forms C878S, C503S.
Identifiers: ClinVar variation 944985 (VCV000944985.11), dbSNP rs966788239, ClinGen allele CA274757397.

ClinVar aggregate classification (germline): Uncertain significance. Review status: criteria provided, multiple submitters, no conflicts (2 of 4 stars). 2 submissions from 2 submitters: Uncertain significance (2). Last evaluated 2024-08-17.

Conditions:
Hereditary cancer-predisposing syndrome. Also called: Neoplastic Syndromes, Hereditary; Hereditary Cancer Syndrome; Tumor predisposition; Hereditary neoplastic syndrome. Identifiers: Orphanet 140162, MedGen C0027672, MeSH D009386, MONDO:0015356.
Bloom syndrome (BLM). Also called: Bloom-Torre-Machacek syndrome. Identifiers: Orphanet 125, MedGen C0005859, MONDO:0008876, OMIM 210900.

Allele frequency attached by ClinVar (database versions not stated): gnomAD 0.00002; TOPMed 0.00005.
gnomAD v4.1: 3 of 1,613,234 alleles (0.00019%); highest among the groups gnomAD compares: African/African-American, 0.004%; no homozygotes.

Submissions (2):

Labcorp Genetics (formerly Invitae), Labcorp
Classification: Uncertain significance for Bloom syndrome. Last evaluated: 2024-08-17. Review status: criteria provided, single submitter. Criteria: Invitae Variant Classification Sherloc (09022015). Collection method: clinical testing. Allele origin: germline.
Comment: This sequence change replaces cysteine, which is neutral and slightly polar, with serine, which is neutral and polar, at codon 878 of the BLM protein (p.Cys878Ser). This variant is present in population databases (no rsID available, gnomAD 0.01%). This variant has not been reported in the literature in individuals affected with BLM-related conditions. ClinVar contains an entry for this variant (Variation ID: 944985). Invitae Evidence Modeling of protein sequence and biophysical properties (such as structural, functional, and spatial information, amino acid conservation, physicochemical variation, residue mobility, and thermodynamic stability) indicates that this missense variant is expected to disrupt BLM protein function with a positive predictive value of 80%. In summary, the available evidence is currently insufficient to determine the role of this variant in disease. Therefore, it has been classified as a Variant of Uncertain Significance.

Ambry Genetics
Classification: Uncertain significance for Hereditary cancer-predisposing syndrome. Last evaluated: 2024-07-14. Review status: criteria provided, single submitter. Criteria: Ambry Variant Classification Scheme 2023. Collection method: clinical testing. Allele origin: germline.
Comment: The p.C878S variant (also known as c.2633G>C), located in coding exon 12 of the BLM gene, results from a G to C substitution at nucleotide position 2633. The cysteine at codon 878 is replaced by serine, an amino acid with dissimilar properties. This amino acid position is conserved. In addition, this alteration is predicted to be deleterious by in silico analysis. Since supporting evidence is limited at this time, the clinical significance of this alteration remains unclear.